The following is an entry in ClinVar:

ClinVar aggregate classification (germline): Uncertain significance. Review status: criteria provided, multiple submitters, no conflicts (2 of 4 stars). 2 submissions from 2 submitters: Uncertain significance (2). Last evaluated 2024-02-20.

Conditions:
Legius syndrome. Identifiers: Orphanet 137605, MedGen C1969623, MONDO:0012669, OMIM 611431. Disease mechanism: loss of function.

gnomAD v4.1: 3 of 1,613,740 alleles (0.00019%); highest among the groups gnomAD compares: East Asian, 0.0022%; no homozygotes.

Submissions (2):

Labcorp Genetics (formerly Invitae), Labcorp
Classification: Uncertain significance for Legius syndrome. Last evaluated: 2024-02-20. Review status: criteria provided, single submitter. Criteria: Invitae Variant Classification Sherloc (09022015). Collection method: clinical testing. Allele origin: germline.
Comment: This sequence change replaces arginine, which is basic and polar, with glutamine, which is neutral and polar, at codon 64 of the SPRED1 protein (p.Arg64Gln). This variant is present in population databases (rs372205720, gnomAD 0.0009%). This variant has not been reported in the literature in individuals affected with SPRED1-related conditions. Advanced modeling of protein sequence and biophysical properties (such as structural, functional, and spatial information, amino acid conservation, physicochemical variation, residue mobility, and thermodynamic stability) performed at Invitae indicates that this missense variant is expected to disrupt SPRED1 protein function with a positive predictive value of 80%. In summary, the available evidence is currently insufficient to determine the role of this variant in disease. Therefore, it has been classified as a Variant of Uncertain Significance.

Blueprint Genetics
Classification: Uncertain significance. Last evaluated: 2020-12-12. Review status: criteria provided, single submitter. Criteria: ACMG Guidelines, 2015. Collection method: clinical testing. Allele origin: germline.

NM_152594.3(SPRED1):c.191G>A (p.Arg64Gln)

Gene: SPRED1 (sprouty related EVH1 domain containing 1; plus strand). Cytogenetic location: 15q14.
Variant type: single nucleotide variant.
Coding change: c.191G>A on transcript NM_152594.3 (MANE Select); coding-DNA position 191, G replaced by A.
Protein change: p.Arg64Gln; replaces arginine 64 with glutamine.
Molecular consequence: missense variant.
Genome position (GRCh38, 1-based): chr15:38,299,531, G>A. VCF-style: chr15-38299531-G-A. GRCh37 (hg19) VCF-style: chr15-38591732-G-A.
Other names: short protein forms R64Q.
Identifiers: ClinVar variation 3620340 (VCV003620340.3).